The following is an entry in ClinVar:

ClinVar aggregate classification (germline): Conflicting classifications of pathogenicity. Review status: criteria provided, conflicting classifications (1 of 4 stars). 2 submissions from 2 submitters: Uncertain significance (1); Likely benign (1). Last evaluated 2023-08-01.

Allele frequency attached by ClinVar (database versions not stated): gnomAD exomes 0.00012; gnomAD 0.00013; ESP Exome Variant Server 0.00015; TOPMed 0.00015; ExAC 0.00017.
gnomAD v4.1: 214 of 1,614,016 alleles (0.013%); highest among the groups gnomAD compares: Admixed American, 0.005%; 1 homozygote.

Submissions (2):

CeGaT Center for Human Genetics Tuebingen
Classification: Likely benign. Last evaluated: 2023-08-01. Review status: criteria provided, single submitter. Criteria: CeGaT Center For Human Genetics Tuebingen Variant Classification Criteria Version 2. Collection method: clinical testing. Allele origin: germline. Affected: yes. Observed: 1 variant allele.
Comment: BUD23: BP4

Ambry Genetics
Classification: Uncertain significance. Last evaluated: 2022-08-29. Review status: criteria provided, single submitter. Criteria: Ambry Variant Classification Scheme 2023. Collection method: clinical testing. Allele origin: germline.

NM_017528.5(BUD23):c.71G>A (p.Arg24Gln)

Gene: BUD23 (BUD23 rRNA methyltransferase and ribosome maturation factor; plus strand). Cytogenetic location: 7q11.23.
Variant type: single nucleotide variant.
Coding change: c.71G>A on transcript NM_017528.5 (MANE Select); coding-DNA position 71, G replaced by A.
Protein change: p.Arg24Gln; replaces arginine 24 with glutamine.
Molecular consequence: missense variant. On other transcripts: non-coding transcript variant (2).
Genome position (GRCh38, 1-based): chr7:73,683,789, G>A. VCF-style: chr7-73683789-G-A. GRCh37 (hg19) VCF-style: chr7-73098119-G-A.
Other names: c.71G>A, p.Arg24Gln (NM_001202560.3); c.71G>A (NM_001202560.1); short protein forms R24Q.
Identifiers: ClinVar variation 2657567 (VCV002657567.25), dbSNP rs148529785, ClinGen allele CA4290120.
Genomic context (GRCh38, chr7:73,683,789, plus strand): 5'-GAATTATTCCTCTACATGCCATTTTCTCTTTTTCGCAGTTTTATGACGAGACAGAAGCCC[G>A]GAAATACGTTCGCAAGTGAGGGGAGCCTGAATACTGCGGGGCGTCCGGGGGTCGGGAAGC-3'
Protein context (NP_059998.2, residues 14-34): PELFYDETEA[Arg24Gln]KYVRNSRMID